The following is an entry in ClinVar:

NM_006269.2(RP1):c.871G>C (p.Asp291His)

Gene: RP1 (RP1 axonemal microtubule associated; plus strand). Cytogenetic location: 8q12.1.
Variant type: single nucleotide variant.
Coding change: c.871G>C on transcript NM_006269.2 (MANE Select); coding-DNA position 871, G replaced by C.
Protein change: p.Asp291His; replaces aspartic acid 291 with histidine.
Molecular consequence: missense variant. On other transcripts: intron variant (1).
Genome position (GRCh38, 1-based): chr8:54,624,753, G>C. VCF-style: chr8-54624753-G-C. GRCh37 (hg19) VCF-style: chr8-55537313-G-C.
Other names: c.871G>C (NM_006269.1); c.787+2465G>C (NM_001375654.1); short protein forms D291H.
Identifiers: ClinVar variation 1386545 (VCV001386545.7), dbSNP rs767490081, ClinGen allele CA4751289.

ClinVar aggregate classification (germline): Uncertain significance. Review status: criteria provided, multiple submitters, no conflicts (2 of 4 stars). 2 submissions from 2 submitters: Uncertain significance (2). Last evaluated 2025-10-29.

Conditions:
Inborn genetic diseases. Identifiers: MedGen C0950123, MeSH D030342.

Allele frequency attached by ClinVar (database versions not stated): gnomAD 0.00001; gnomAD exomes 0.00001; ExAC 0.00002.

Submissions (2):

Ambry Genetics
Classification: Uncertain significance for Inborn genetic diseases. Last evaluated: 2025-10-29. Review status: criteria provided, single submitter. Criteria: Ambry Variant Classification Scheme 2023. Collection method: clinical testing. Allele origin: germline.

Labcorp Genetics (formerly Invitae), Labcorp
Classification: Uncertain significance. Last evaluated: 2022-08-22. Review status: criteria provided, single submitter. Criteria: Invitae Variant Classification Sherloc (09022015). Collection method: clinical testing. Allele origin: germline.
Comment: Algorithms developed to predict the effect of missense changes on protein structure and function (SIFT, PolyPhen-2, Align-GVGD) all suggest that this variant is likely to be disruptive. ClinVar contains an entry for this variant (Variation ID: 1386545). This variant has not been reported in the literature in individuals affected with RP1-related conditions. This variant is present in population databases (rs767490081, gnomAD 0.003%). This sequence change replaces aspartic acid, which is acidic and polar, with histidine, which is basic and polar, at codon 291 of the RP1 protein (p.Asp291His). Algorithms developed to predict the effect of sequence changes on RNA splicing suggest that this variant may create or strengthen a splice site. In summary, the available evidence is currently insufficient to determine the role of this variant in disease. Therefore, it has been classified as a Variant of Uncertain Significance.